The following is an entry in ClinVar:

NM_000452.3(SLC10A2):c.856G>A (p.Val286Ile)

Gene: SLC10A2 (solute carrier family 10 member 2; minus strand). Cytogenetic location: 13q33.1.
Variant type: single nucleotide variant.
Coding change: c.856G>A on transcript NM_000452.3 (MANE Select); coding-DNA position 856, G replaced by A.
Protein change: p.Val286Ile; replaces valine 286 with isoleucine.
Molecular consequence: missense variant.
Genome position (GRCh38, 1-based): chr13:103,049,352, C>T on the plus strand (G>A on the coding strand, the complement: SLC10A2 is on the minus strand). VCF-style: chr13-103049352-C-T. GRCh37 (hg19) VCF-style: chr13-103701702-C-T.
Other names: short protein forms V286I.
Identifiers: ClinVar variation 597090 (VCV000597090.9), dbSNP rs201461541, ClinGen allele CA7042021.
Genomic context (GRCh38, chr13:103,049,352, plus strand): 5'-CTAAGAATATTGCGGCAAAGGCGAGCTGGAAAATGCTGTAGATGAGCGGGAAGGTGAATA[C>T]GACATTGAGCTCCTCAGGAGTGAAGGAGAGCTGAACGATGGTGGAACATAGCTGCGTGTT-3'
Protein context (NP_000443.2, residues 276-296): LSFTPEELNV[Val286Ile]FTFPLIYSIF

ClinVar aggregate classification (germline): Uncertain significance. Review status: criteria provided, multiple submitters, no conflicts (2 of 4 stars). 3 submissions from 3 submitters: Uncertain significance (3). Last evaluated 2026-01-02.

Allele frequency attached by ClinVar (database versions not stated): ExAC 0.00002; gnomAD exomes 0.00002 and 0.00003; gnomAD 0.00006 and 0.00007; TOPMed 0.00006.
gnomAD v4.1: 57 of 1,613,714 alleles (0.0035%); highest among the groups gnomAD compares: Admixed American, 0.015%; no homozygotes.

Submissions (3):

Labcorp Genetics (formerly Invitae), Labcorp
Classification: Uncertain significance. Last evaluated: 2026-01-02. Review status: criteria provided, single submitter. Criteria: Invitae Variant Classification Sherloc (09022015). Collection method: clinical testing. Allele origin: germline.
Comment: This sequence change replaces valine, which is neutral and non-polar, with isoleucine, which is neutral and non-polar, at codon 286 of the SLC10A2 protein (p.Val286Ile). This variant is present in population databases (rs201461541, gnomAD 0.01%). This variant has not been reported in the literature in individuals affected with SLC10A2-related conditions. ClinVar contains an entry for this variant (Variation ID: 597090). Invitae Evidence Modeling of protein sequence and biophysical properties (such as structural, functional, and spatial information, amino acid conservation, physicochemical variation, residue mobility, and thermodynamic stability) indicates that this missense variant is not expected to disrupt SLC10A2 protein function with a negative predictive value of 80%. In summary, the available evidence is currently insufficient to determine the role of this variant in disease. Therefore, it has been classified as a Variant of Uncertain Significance.

Blueprint Genetics
Classification: Uncertain significance. Last evaluated: 2022-05-16. Review status: criteria provided, single submitter. Criteria: ACMG Guidelines, 2015. Collection method: clinical testing. Allele origin: germline.

Eurofins Ntd Llc (ga)
Classification: Uncertain significance. Last evaluated: 2018-05-04. Review status: criteria provided, single submitter. Criteria: EGL ClinVar v180209 classification definitions. Collection method: clinical testing. Allele origin: germline. Observed: 1 variant allele, 1 heterozygote.